The following is an entry in ClinVar:

ClinVar aggregate classification (germline): Uncertain significance. Review status: criteria provided, multiple submitters, no conflicts (2 of 4 stars). 2 submissions from 2 submitters: Uncertain significance (2). Last evaluated 2024-10-21.

Allele frequency attached by ClinVar (database versions not stated): gnomAD exomes 0.00001; ExAC 0.00001.

Submissions (2):

Labcorp Genetics (formerly Invitae), Labcorp
Classification: Uncertain significance. Last evaluated: 2024-10-21. Review status: criteria provided, single submitter. Criteria: Invitae Variant Classification Sherloc (09022015). Collection method: clinical testing. Allele origin: germline.
Comment: This sequence change replaces proline, which is neutral and non-polar, with leucine, which is neutral and non-polar, at codon 131 of the BCS1L protein (p.Pro131Leu). This variant is present in population databases (rs745428773, gnomAD 0.009%). This variant has not been reported in the literature in individuals affected with BCS1L-related conditions. ClinVar contains an entry for this variant (Variation ID: 1690724). Invitae Evidence Modeling of protein sequence and biophysical properties (such as structural, functional, and spatial information, amino acid conservation, physicochemical variation, residue mobility, and thermodynamic stability) has been performed for this missense variant. However, the output from this modeling did not meet the statistical confidence thresholds required to predict the impact of this variant on BCS1L protein function. In summary, the available evidence is currently insufficient to determine the role of this variant in disease. Therefore, it has been classified as a Variant of Uncertain Significance.

Laboratorio de Genetica e Diagnostico Molecular, Hospital Israelita Albert Einstein
Classification: Uncertain significance. Last evaluated: 2019-03-22. Review status: criteria provided, single submitter. Criteria: ACMG Guidelines, 2015. Collection method: clinical testing. Allele origin: germline. Affected: yes.
Comment: ACMG classification criteria: PM1, PM2, PP3

NM_001079866.2(BCS1L):c.392C>T (p.Pro131Leu)

Gene: BCS1L (BCS1 homolog, ubiquinol-cytochrome c reductase complex chaperone; plus strand). Cytogenetic location: 2q35.
Variant type: single nucleotide variant.
Coding change: c.392C>T on transcript NM_001079866.2 (MANE Select); coding-DNA position 392, C replaced by T.
Protein change: p.Pro131Leu; replaces proline 131 with leucine.
Molecular consequence: missense variant. On other transcripts: 5 prime UTR variant (5), non-coding transcript variant (1), intron variant (1).
Genome position (GRCh38, 1-based): chr2:218,661,477, C>T. VCF-style: chr2-218661477-C-T. GRCh37 (hg19) VCF-style: chr2-219526200-C-T.
Other names: c.-85C>T (NM_001371453.1, NM_001371454.1, NM_001371455.1 and 2 more transcripts); c.392C>T, p.Pro131Leu (NM_001374085.1, NM_004328.5, NM_001257342.2 and 10 more transcripts); c.-41-282C>T (NM_001371452.1); c.32C>T, p.Pro11Leu (NM_001318836.2, NM_001371451.1); short protein forms P11L, P131L.
Identifiers: ClinVar variation 1690724 (VCV001690724.5), dbSNP rs745428773, ClinGen allele CA2109656.
Genomic context (GRCh38, chr2:218,661,477, plus strand): 5'-AATGGATTCGGGTAGAACGAAGTCGAGAGATGCAGATGATAGACTTGCAGACGGGGACTC[C>T]TTGGGAATCTGTCACCTTCACGGCCCTGGGCACTGACCGAAAGGTTTTCTTCAACATCCT-3'
Protein context (NP_001073335.1, residues 121-141): MQMIDLQTGT[Pro131Leu]WESVTFTALG